The following is an entry in ClinVar:

NC_000004.11:g.(?_39459814)_(39528725_?)dup

Genes: LIAS (lipoic acid synthetase; plus strand), RPL9 (ribosomal protein L9; minus strand), UGDH (UDP-glucose 6-dehydrogenase; minus strand). Cytogenetic location: 4p14.
Variant type: Duplication.
Identifiers: ClinVar variation 1010437 (VCV001010437.1).

ClinVar aggregate classification (germline): Uncertain significance. Review status: criteria provided, single submitter (1 of 4 stars). 2 submissions from 1 submitter: Uncertain significance (1). 1 of the submissions does not count toward it. Last evaluated 2018-03-17.

Conditions:
Lipoic acid synthetase deficiency. Also called: HYPERGLYCINEMIA, LACTIC ACIDOSIS, AND SEIZURES. Identifiers: Orphanet 401859, MedGen C3280887, MONDO:0013762, OMIM 614462.

Submissions (2):

Labcorp Genetics (formerly Invitae), Labcorp
Classification: Uncertain significance. Last evaluated: 2018-03-17. Review status: criteria provided, single submitter. Criteria: Invitae Variant Classification Sherloc (09022015). Collection method: clinical testing. Allele origin: germline.
Comment: A gross duplication of the genomic region encompassing the full coding sequence of the RPL9 gene has been identified. The boundaries of this event are unknown as the duplication extends beyond the assayed region for this gene and therefore may encompass additional genes. As the precise location of this duplication is unknown, it may be in tandem or it may be located elsewhere in the genome. This variant has not been reported in the literature in individuals with RPL9-related disease. In summary, the available evidence is currently insufficient to determine the role of this variant in disease. Therefore, it has been classified as a Variant of Uncertain Significance.

Labcorp Genetics (formerly Invitae), Labcorp
Classification: Uncertain significance for Pyruvate dehydrogenase lipoic acid synthetase deficiency. Last evaluated: 2018-03-29. Review status: flagged submission. Criteria: Invitae Variant Classification Sherloc (09022015). Collection method: clinical testing. Allele origin: germline. Not counted in ClinVar's aggregate classification.
Comment: A gross duplication of the genomic region encompassing the full coding sequence of the LIAS gene has been identified. The boundaries of this event are unknown as the duplication extends beyond the assayed region for this gene and therefore may encompass additional genes. As the precise location of this duplication is unknown, it may be in tandem or it may be located elsewhere in the genome. This variant has not been reported in the literature in individuals with LIAS-related disease. In summary, the available evidence is currently insufficient to determine the role of this variant in disease. Therefore, it has been classified as a Variant of Uncertain Significance.
ClinVar note: Reason: This record appears to be redundant with a more recent record from the same submitter.
ClinVar note: Notes: SCV000837264 appears to be redundant with SCV001497493.